The following is an entry in ClinVar:

ClinVar aggregate classification (germline): Uncertain significance. Review status: criteria provided, multiple submitters, no conflicts (2 of 4 stars). 2 submissions from 2 submitters: Uncertain significance (2). Last evaluated 2025-09-29.

Conditions:
Hereditary cancer-predisposing syndrome. Also called: Neoplastic Syndromes, Hereditary; Tumor predisposition; Hereditary Cancer Syndrome; Hereditary neoplastic syndrome. Identifiers: Orphanet 140162, MedGen C0027672, MeSH D009386, MONDO:0015356.

Submissions (2):

Ambry Genetics
Classification: Uncertain significance for Hereditary cancer-predisposing syndrome. Last evaluated: 2025-09-29. Review status: criteria provided, single submitter. Criteria: Ambry Variant Classification Scheme 2023. Collection method: clinical testing. Allele origin: germline.
Comment: The p.L597V variant (also known as c.1789T>G), located in coding exon 11 of the RAD50 gene, results from a T to G substitution at nucleotide position 1789. The leucine at codon 597 is replaced by valine, an amino acid with highly similar properties. This amino acid position is well conserved in available vertebrate species. In addition, this alteration is predicted to be tolerated by in silico analysis. Since supporting evidence is limited at this time, the clinical significance of this alteration remains unclear.

Labcorp Genetics (formerly Invitae), Labcorp
Classification: Uncertain significance for Hereditary cancer-predisposing syndrome. Last evaluated: 2021-06-30. Review status: criteria provided, single submitter. Criteria: Invitae Variant Classification Sherloc (09022015). Collection method: clinical testing. Allele origin: germline.
Comment: This sequence change replaces leucine with valine at codon 597 of the RAD50 protein (p.Leu597Val). The leucine residue is moderately conserved and there is a small physicochemical difference between leucine and valine. This variant is not present in population databases (ExAC no frequency). This variant has not been reported in the literature in individuals affected with RAD50-related conditions. ClinVar contains an entry for this variant (Variation ID: 820073). Algorithms developed to predict the effect of missense changes on protein structure and function (SIFT, PolyPhen-2, Align-GVGD) all suggest that this variant is likely to be tolerated. In summary, the available evidence is currently insufficient to determine the role of this variant in disease. Therefore, it has been classified as a Variant of Uncertain Significance.

NM_005732.4(RAD50):c.1789T>G (p.Leu597Val)

Gene: RAD50 (RAD50 double strand break repair protein; plus strand). Cytogenetic location: 5q31.1.
Variant type: single nucleotide variant.
Coding change: c.1789T>G on transcript NM_005732.4 (MANE Select); coding-DNA position 1789, T replaced by G.
Protein change: p.Leu597Val; replaces leucine 597 with valine.
Molecular consequence: missense variant.
Genome position (GRCh38, 1-based): chr5:132,592,030, T>G. VCF-style: chr5-132592030-T-G. GRCh37 (hg19) VCF-style: chr5-131927722-T-G.
Other names: short protein forms L597V.
Identifiers: ClinVar variation 820073 (VCV000820073.13), dbSNP rs966088598, ClinGen allele CA360946810.
Genomic context (GRCh38, chr5:132,592,030, plus strand): 5'-GAAGACTGGCTACATAGTAAATCAAAAGAAATTAATCAGACCAGGGACAGACTTGCCAAA[T>G]TGAAGTAAGTTGCAACATTTGGAGATGTAATAGAAATCTCTTATTTCATGCTTACCTGTT-3'
Protein context (NP_005723.2, residues 587-607): INQTRDRLAK[Leu597Val]NKELASSEQN